The following is an entry in ClinVar:

NM_001393586.1(MYO7B):c.5264G>A (p.Arg1755Gln)

Gene: MYO7B (myosin VIIB; plus strand). Cytogenetic location: 2q14.3.
Variant type: single nucleotide variant.
Coding change: c.5264G>A on transcript NM_001393586.1 (MANE Select); coding-DNA position 5264, G replaced by A.
Protein change: p.Arg1755Gln; replaces arginine 1755 with glutamine.
Molecular consequence: missense variant.
Genome position (GRCh38, 1-based): chr2:127,632,260, G>A. VCF-style: chr2-127632260-G-A. GRCh37 (hg19) VCF-style: chr2-128389835-G-A.
Other names: c.5186G>A, p.Arg1729Gln (NM_001080527.2); c.1745G>A, p.Arg582Gln (NM_001393594.1); c.5186G>A (NM_001080527.1); short protein forms R1729Q, R1755Q, R582Q.
Identifiers: ClinVar variation 2651335 (VCV002651335.25), dbSNP rs190699169, ClinGen allele CA1862220.

ClinVar aggregate classification (germline): Likely benign. Review status: criteria provided, single submitter (1 of 4 stars). 2 submissions from 2 submitters: Likely benign (1). 1 of the submissions does not count toward it. Last evaluated 2022-12-01.

Conditions:
MYO7B-related disorder. Also called: MYO7B-related condition.

Allele frequency attached by ClinVar (database versions not stated): 1000 Genomes Project 0.00200; 1000 Genomes Project 30x 0.00219; ESP Exome Variant Server 0.00332; gnomAD 0.00424; TOPMed 0.00464; ExAC 0.00538; gnomAD exomes 0.00665.
gnomAD v4.1: 10,296 of 1,611,878 alleles (0.64%); highest among the groups gnomAD compares: Non-Finnish European, 0.76%; 47 homozygotes.

Submissions (2):

CeGaT Center for Human Genetics Tuebingen
Classification: Likely benign. Last evaluated: 2022-12-01. Review status: criteria provided, single submitter. Criteria: CeGaT Center For Human Genetics Tuebingen Variant Classification Criteria Version 2. Collection method: clinical testing. Allele origin: germline. Affected: yes. Observed: 1 variant allele.
Comment: MYO7B: BS2

PreventionGenetics, part of Exact Sciences
Classification: Benign for MYO7B-related condition. Last evaluated: 2019-02-28. Review status: no assertion criteria provided. Collection method: clinical testing. Allele origin: germline. Not counted in ClinVar's aggregate classification.
Comment: This variant is classified as benign based on ACMG/AMP sequence variant interpretation guidelines (Richards et al. 2015 PMID: 25741868, with internal and published modifications).